The following is an entry in ClinVar:

ClinVar aggregate classification (germline): Uncertain significance (1 of 4 stars; one submission).

Submission:

Labcorp Genetics (formerly Invitae), Labcorp
Classification: Uncertain significance. Last evaluated: 2022-10-26. Review status: criteria provided, single submitter. Criteria: Invitae Variant Classification Sherloc (09022015). Collection method: clinical testing. Allele origin: germline.
Comment: This sequence change replaces threonine, which is neutral and polar, with isoleucine, which is neutral and non-polar, at codon 306 of the TBX6 protein (p.Thr306Ile). In summary, the available evidence is currently insufficient to determine the role of this variant in disease. Therefore, it has been classified as a Variant of Uncertain Significance. Advanced modeling of protein sequence and biophysical properties (such as structural, functional, and spatial information, amino acid conservation, physicochemical variation, residue mobility, and thermodynamic stability) performed at Invitae indicates that this missense variant is not expected to disrupt TBX6 protein function. This variant has not been reported in the literature in individuals affected with TBX6-related conditions. This variant is not present in population databases (gnomAD no frequency).

NM_004608.4(TBX6):c.917C>T (p.Thr306Ile)

Gene: TBX6 (T-box transcription factor 6; minus strand). Cytogenetic location: 16p11.2.
Variant type: single nucleotide variant.
Coding change: c.917C>T on transcript NM_004608.4 (MANE Select); coding-DNA position 917, C replaced by T.
Protein change: p.Thr306Ile; replaces threonine 306 with isoleucine.
Molecular consequence: missense variant.
Genome position (GRCh38, 1-based): chr16:30,086,692, G>A on the plus strand (C>T on the coding strand, the complement: TBX6 is on the minus strand). VCF-style: chr16-30086692-G-A. GRCh37 (hg19) VCF-style: chr16-30098013-G-A.
Other names: short protein forms T306I.
Identifiers: ClinVar variation 1990541 (VCV001990541.4), dbSNP rs987511631, ClinGen allele CA280429535.